The following is an entry in ClinVar:

ClinVar aggregate classification (germline): Benign. Review status: criteria provided, multiple submitters, no conflicts (2 of 4 stars). 3 submissions from 3 submitters: Benign (3). Last evaluated 2026-04-01.

Allele frequency attached by ClinVar (database versions not stated): 1000 Genomes Project 0.00479; 1000 Genomes Project 30x 0.00531; ExAC 0.00647; gnomAD exomes 0.00708 and 0.01184; gnomAD 0.00794 and 0.00836; ESP Exome Variant Server 0.00946; TOPMed 0.00971.
gnomAD v4.1: 18,466 of 1,614,152 alleles (1.1%); highest among the groups gnomAD compares: Non-Finnish European, 1.4%; 130 homozygotes.

Submissions (3):

CeGaT Center for Human Genetics Tuebingen
Classification: Benign. Last evaluated: 2026-04-01. Review status: criteria provided, single submitter. Criteria: CeGaT Center For Human Genetics Tuebingen Variant Classification Criteria Version 2. Collection method: clinical testing. Allele origin: germline. Affected: yes. Observed: 4 variant alleles.
Comment: NCSTN: BP4, BP7, BS1, BS2

Labcorp Genetics (formerly Invitae), Labcorp
Classification: Benign. Last evaluated: 2026-02-02. Review status: criteria provided, single submitter. Criteria: Invitae Variant Classification Sherloc (09022015). Collection method: clinical testing. Allele origin: germline.

Breakthrough Genomics
Classification: Benign. Review status: criteria provided, single submitter. Criteria: ACMG Guidelines, 2015. Collection method: not provided. Allele origin: germline. Inheritance: Autosomal dominant inheritance. Affected: yes.

NM_015331.3(NCSTN):c.237G>A (p.Glu79=)

Gene: NCSTN (nicastrin; plus strand). Cytogenetic location: 1q23.2.
Variant type: single nucleotide variant.
Coding change: c.237G>A on transcript NM_015331.3 (MANE Select); coding-DNA position 237, G replaced by A.
Protein change: p.Glu79=; no amino-acid change (glutamic acid 79 retained).
Molecular consequence: synonymous variant.
Genome position (GRCh38, 1-based): chr1:160,349,045, G>A. VCF-style: chr1-160349045-G-A. GRCh37 (hg19) VCF-style: chr1-160318835-G-A.
Other names: c.177G>A, p.Glu59= (NM_001290184.2); c.237G>A, p.Glu79= (NM_001290186.2, NM_001349729.2).
Identifiers: ClinVar variation 710191 (VCV000710191.35), dbSNP rs34445546, ClinGen allele CA1198643.
Genomic context (GRCh38, chr1:160,349,045, plus strand): 5'-TTCTGTCCTGGCAGCTTCAATTAGTGGAGACACAGGGGTTATCCACGTAGTAGAGAAAGA[G>A]GAGGACCTACAGTGGGTATTGACTGATGGCCCCAACCCCCCTTACATGGTTCTGCTGGAG-3'
Protein context (NP_056146.1, residues 69-89): DTGVIHVVEK[Glu79=]EDLQWVLTDG